The following is an entry in ClinVar:

NM_014339.7(IL17RA):c.2449G>A (p.Glu817Lys)

Gene: IL17RA (interleukin 17 receptor A; plus strand). Cytogenetic location: 22q11.1.
Variant type: single nucleotide variant.
Coding change: c.2449G>A on transcript NM_014339.7 (MANE Select); coding-DNA position 2449, G replaced by A.
Protein change: p.Glu817Lys; replaces glutamic acid 817 with lysine.
Molecular consequence: missense variant.
Genome position (GRCh38, 1-based): chr22:17,109,668, G>A. VCF-style: chr22-17109668-G-A. GRCh37 (hg19) VCF-style: chr22-17590558-G-A.
Other names: c.2347G>A, p.Glu783Lys (NM_001289905.2); c.2449G>A (NM_014339.5); short protein forms E783K, E817K.
Identifiers: ClinVar variation 2157281 (VCV002157281.5), dbSNP rs764316815, ClinGen allele CA10086994.
Genomic context (GRCh38, chr22:17,109,668, plus strand): 5'-ATCTCCAGGAGCTCCCCGCAGCCCCCCGAGGGACTCACGGAAATGGAGGAAGAGGAGGAA[G>A]AGGAGCAGGACCCAGGGAAGCCGGCCCTGCCACTCTCTCCCGAGGACCTGGAGAGCCTGA-3'
Protein context (NP_055154.3, residues 807-827): GLTEMEEEEE[Glu817Lys]EQDPGKPALP

ClinVar aggregate classification (germline): Uncertain significance. Review status: criteria provided, multiple submitters, no conflicts (2 of 4 stars). 2 submissions from 2 submitters: Uncertain significance (2). Last evaluated 2024-08-01.

Conditions:
Immunodeficiency 51 (IMD51). Also called: CANDIDIASIS, FAMILIAL, 5. Identifiers: Orphanet 1334, MedGen C4310803, MONDO:0013500, OMIM 613953.

Allele frequency attached by ClinVar (database versions not stated): gnomAD exomes 0.00001; gnomAD 0.00003; ExAC 0.00006; TOPMed 0.00009.
gnomAD v4.1: 17 of 1,603,050 alleles (0.0011%); highest among the groups gnomAD compares: African/African-American, 0.02%; no homozygotes.

Submissions (2):

Ambry Genetics
Classification: Uncertain significance. Last evaluated: 2024-08-01. Review status: criteria provided, single submitter. Criteria: Ambry Variant Classification Scheme 2023. Collection method: clinical testing. Allele origin: germline.

Labcorp Genetics (formerly Invitae), Labcorp
Classification: Uncertain significance for Immunodeficiency 51. Last evaluated: 2024-07-13. Review status: criteria provided, single submitter. Criteria: Invitae Variant Classification Sherloc (09022015). Collection method: clinical testing. Allele origin: germline.
Comment: This sequence change replaces glutamic acid, which is acidic and polar, with lysine, which is basic and polar, at codon 817 of the IL17RA protein (p.Glu817Lys). This variant is present in population databases (rs764316815, gnomAD 0.03%). This variant has not been reported in the literature in individuals affected with IL17RA-related conditions. ClinVar contains an entry for this variant (Variation ID: 2157281). An algorithm developed to predict the effect of missense changes on protein structure and function outputs the following: PolyPhen-2: "Benign". The lysine amino acid residue is found in multiple mammalian species, which suggests that this missense change does not adversely affect protein function. In summary, the available evidence is currently insufficient to determine the role of this variant in disease. Therefore, it has been classified as a Variant of Uncertain Significance.